The following is an entry in ClinVar:

ClinVar aggregate classification (germline): Uncertain significance (1 of 4 stars; one submission).

Conditions:
Retinoblastoma (RB1). Also called: RETINOBLASTOMA, SOMATIC. Identifiers: Orphanet 790, MedGen C0035335, MeSH D012175, MONDO:0008380, OMIM 180200, HP:0009919. Disease mechanism: loss of function. Inheritance: Both sporadic and heritable forms are tested..

Submission:

Labcorp Genetics (formerly Invitae), Labcorp
Classification: Uncertain significance for Retinoblastoma. Last evaluated: 2025-08-11. Review status: criteria provided, single submitter. Criteria: Invitae Variant Classification Sherloc (09022015). Collection method: clinical testing. Allele origin: germline.
Comment: This sequence change replaces methionine, which is neutral and non-polar, with valine, which is neutral and non-polar, at codon 300 of the RB1 protein (p.Met300Val). This variant is not present in population databases (gnomAD no frequency). This variant has not been reported in the literature in individuals affected with RB1-related conditions. ClinVar contains an entry for this variant (Variation ID: 577508). Invitae Evidence Modeling of protein sequence and biophysical properties (such as structural, functional, and spatial information, amino acid conservation, physicochemical variation, residue mobility, and thermodynamic stability) indicates that this missense variant is not expected to disrupt RB1 protein function with a negative predictive value of 80%. In summary, the available evidence is currently insufficient to determine the role of this variant in disease. Therefore, it has been classified as a Variant of Uncertain Significance.

NM_000321.3(RB1):c.898A>G (p.Met300Val)

Gene: RB1 (RB transcriptional corepressor 1; plus strand). Cytogenetic location: 13q14.2.
Variant type: single nucleotide variant.
Coding change: c.898A>G on transcript NM_000321.3 (MANE Select); coding-DNA position 898, A replaced by G.
Protein change: p.Met300Val; replaces methionine 300 with valine.
Molecular consequence: missense variant.
Genome position (GRCh38, 1-based): chr13:48,364,930, A>G. VCF-style: chr13-48364930-A-G. GRCh37 (hg19) VCF-style: chr13-48939066-A-G.
Other names: short protein forms M300V.
Identifiers: ClinVar variation 577508 (VCV000577508.8), dbSNP rs1060503086, ClinGen allele CA388159963.